The following is an entry in ClinVar:

NM_015559.3(SETBP1):c.4681G>C (p.Ala1561Pro)

Gene: SETBP1 (SET binding protein 1; plus strand). Cytogenetic location: 18q12.3.
Variant type: single nucleotide variant.
Coding change: c.4681G>C on transcript NM_015559.3 (MANE Select); coding-DNA position 4681, G replaced by C.
Protein change: p.Ala1561Pro; replaces alanine 1561 with proline.
Molecular consequence: missense variant.
Genome position (GRCh38, 1-based): chr18:45,063,588, G>C. VCF-style: chr18-45063588-G-C. GRCh37 (hg19) VCF-style: chr18-42643553-G-C.
Other names: c.4681G>C, p.Ala1561Pro (NM_001379141.1, NM_001379142.1); short protein forms A1561P.
Identifiers: ClinVar variation 1509535 (VCV001509535.8), dbSNP rs1356624472, ClinGen allele CA402483920.

ClinVar aggregate classification (germline): Uncertain significance (1 of 4 stars; one submission).

gnomAD v4.1: 1 of 1,428,112 alleles (0.00007%); highest among the groups gnomAD compares: Admixed American, 0.0021%; no homozygotes.

Submission:

Labcorp Genetics (formerly Invitae), Labcorp
Classification: Uncertain significance. Last evaluated: 2024-04-15. Review status: criteria provided, single submitter. Criteria: Invitae Variant Classification Sherloc (09022015). Collection method: clinical testing. Allele origin: germline.
Comment: This sequence change replaces alanine, which is neutral and non-polar, with proline, which is neutral and non-polar, at codon 1561 of the SETBP1 protein (p.Ala1561Pro). The frequency data for this variant in the population databases is considered unreliable, as metrics indicate poor data quality at this position in the gnomAD database. This variant has not been reported in the literature in individuals affected with SETBP1-related conditions. ClinVar contains an entry for this variant (Variation ID: 1509535). An algorithm developed to predict the effect of missense changes on protein structure and function (PolyPhen-2) suggests that this variant is likely to be disruptive. In summary, the available evidence is currently insufficient to determine the role of this variant in disease. Therefore, it has been classified as a Variant of Uncertain Significance.